The following is an entry in ClinVar:

ClinVar aggregate classification (germline): Uncertain significance. Review status: criteria provided, multiple submitters, no conflicts (2 of 4 stars). 2 submissions from 2 submitters: Uncertain significance (2). Last evaluated 2024-07-19.

Allele frequency attached by ClinVar (database versions not stated): gnomAD 0.00001; TOPMed 0.00003.
gnomAD v4.1: 26 of 1,613,404 alleles (0.0016%); highest among the groups gnomAD compares: Admixed American, 0.028%; no homozygotes.

Submissions (2):

Labcorp Genetics (formerly Invitae), Labcorp
Classification: Uncertain significance. Last evaluated: 2024-07-19. Review status: criteria provided, single submitter. Criteria: Invitae Variant Classification Sherloc (09022015). Collection method: clinical testing. Allele origin: germline.
Comment: This sequence change replaces arginine, which is basic and polar, with histidine, which is basic and polar, at codon 2188 of the HSPG2 protein (p.Arg2188His). This variant is present in population databases (rs780836968, gnomAD 0.02%). This variant has not been reported in the literature in individuals affected with HSPG2-related conditions. ClinVar contains an entry for this variant (Variation ID: 2174291). An algorithm developed to predict the effect of missense changes on protein structure and function (PolyPhen-2) suggests that this variant is likely to be disruptive. In summary, the available evidence is currently insufficient to determine the role of this variant in disease. Therefore, it has been classified as a Variant of Uncertain Significance.

Revvity Omics, Revvity
Classification: Uncertain significance. Last evaluated: 2019-12-03. Review status: criteria provided, single submitter. Criteria: ACMG Guidelines, 2015. Collection method: clinical testing. Allele origin: germline.

NM_005529.7(HSPG2):c.6563G>A (p.Arg2188His)

Genes: HSPG2 (heparan sulfate proteoglycan 2; minus strand), LOC126805655 (CDK7 strongly-dependent group 2 enhancer GRCh37_chr1:22178409-22179608; plus strand). Cytogenetic location: 1p36.12.
Variant type: single nucleotide variant.
Coding change: c.6563G>A on transcript NM_005529.7 (MANE Select); coding-DNA position 6563, G replaced by A.
Protein change: p.Arg2188His; replaces arginine 2188 with histidine.
Molecular consequence: missense variant.
Genome position (GRCh38, 1-based): chr1:21,852,947, C>T on the plus strand (G>A on the coding strand, the complement: HSPG2 is on the minus strand). VCF-style: chr1-21852947-C-T. GRCh37 (hg19) VCF-style: chr1-22179440-C-T.
Other names: c.6566G>A, p.Arg2189His (NM_001291860.2); c.6563G>A (NM_005529.5); short protein forms R2188H, R2189H.
Identifiers: ClinVar variation 2174291 (VCV002174291.5), dbSNP rs780836968, ClinGen allele CA671506.